The following is an entry in ClinVar:

NM_032737.4(LMNB2):c.814C>T (p.Arg272Trp)

Gene: LMNB2 (lamin B2; minus strand). Cytogenetic location: 19p13.3.
Variant type: single nucleotide variant.
Coding change: c.814C>T on transcript NM_032737.4 (MANE Select); coding-DNA position 814, C replaced by T.
Protein change: p.Arg272Trp; replaces arginine 272 with tryptophan.
Molecular consequence: missense variant.
Genome position (GRCh38, 1-based): chr19:2,435,042, G>A on the plus strand (C>T on the coding strand, the complement: LMNB2 is on the minus strand). VCF-style: chr19-2435042-G-A. GRCh37 (hg19) VCF-style: chr19-2435040-G-A.
Other names: short protein forms R272W.
Identifiers: ClinVar variation 2159426 (VCV002159426.4), dbSNP rs758772624, ClinGen allele CA9067749.
Genomic context (GRCh38, chr19:2,435,042, plus strand): 5'-ACCCGCCTGCCGGCCACACCTTGGCCTGGTAGGTCTGCTCCAGCTCCAGCTTGTAGAGCC[G>A]CACTTGCTCGTCGTGCTGGCTCCGCAGCTCCTCCAGCGCCTGTGCCATCTTGAAGTCGTA-3'
Protein context (NP_116126.3, residues 262-282): ELRSQHDEQV[Arg272Trp]LYKLELEQTY

ClinVar aggregate classification (germline): Uncertain significance (1 of 4 stars; one submission).

Conditions:
Lipodystrophy, partial, acquired, susceptibility to (APLD). Also called: APLD, SUSCEPTIBILITY TO. Identifiers: MedGen C3887501, MONDO:0100476, OMIM 608709.
Progressive myoclonic epilepsy type 9. Identifiers: Orphanet 457265, MedGen C4225289, MONDO:0014685, OMIM 616540.

Allele frequency attached by ClinVar (database versions not stated): ExAC 0.00001; TOPMed 0.00002.
gnomAD v4.1: 7 of 1,586,072 alleles (0.00044%); highest among the groups gnomAD compares: South Asian, 0.0022%; no homozygotes.

Submission:

Labcorp Genetics (formerly Invitae), Labcorp
Classification: Uncertain significance for Progressive myoclonic epilepsy type 9; Lipodystrophy, partial, acquired, susceptibility to. Last evaluated: 2023-07-10. Review status: criteria provided, single submitter. Criteria: Invitae Variant Classification Sherloc (09022015). Collection method: clinical testing. Allele origin: germline.
Comment: This variant has not been reported in the literature in individuals affected with LMNB2-related conditions. In summary, the available evidence is currently insufficient to determine the role of this variant in disease. Therefore, it has been classified as a Variant of Uncertain Significance. Advanced modeling of protein sequence and biophysical properties (such as structural, functional, and spatial information, amino acid conservation, physicochemical variation, residue mobility, and thermodynamic stability) performed at Invitae indicates that this missense variant is not expected to disrupt LMNB2 protein function. ClinVar contains an entry for this variant (Variation ID: 2159426). The frequency data for this variant in the population databases is considered unreliable, as metrics indicate poor data quality at this position in the gnomAD database. This sequence change replaces arginine, which is basic and polar, with tryptophan, which is neutral and slightly polar, at codon 272 of the LMNB2 protein (p.Arg272Trp).